The following is an entry in ClinVar:

NM_000548.5(TSC2):c.4692T>C (p.Asn1564=)

Gene: TSC2 (TSC complex subunit 2; plus strand). Cytogenetic location: 16p13.3.
Variant type: single nucleotide variant.
Coding change: c.4692T>C on transcript NM_000548.5 (MANE Select); coding-DNA position 4692, T replaced by C.
Protein change: p.Asn1564=; no amino-acid change (asparagine 1564 retained).
Molecular consequence: synonymous variant.
Genome position (GRCh38, 1-based): chr16:2,086,222, T>C. VCF-style: chr16-2086222-T-C. GRCh37 (hg19) VCF-style: chr16-2136223-T-C.
Other names: c.4692T>C (NM_000548.4); c.4491T>C, p.Asn1497= (NM_001077183.3); c.4623T>C, p.Asn1541= (NM_001114382.3); c.4383T>C, p.Asn1461= (NM_001318827.2); c.4347T>C, p.Asn1449= (NM_001318829.2); c.3960T>C, p.Asn1320= (NM_001318831.2); c.4524T>C, p.Asn1508= (NM_001318832.2); c.4494T>C, p.Asn1498= (NM_001363528.2); and 2 more.
Identifiers: ClinVar variation 701614 (VCV000701614.17), dbSNP rs774664591, ClinGen allele CA052319.

ClinVar aggregate classification (germline): Benign/Likely benign. Review status: criteria provided, multiple submitters, no conflicts (2 of 4 stars). 5 submissions from 5 submitters: Benign (1); Likely benign (3). 1 of the submissions does not count toward it. Last evaluated 2025-06-04.

Conditions:
Hereditary cancer-predisposing syndrome. Also called: Tumor predisposition; Hereditary neoplastic syndrome; Hereditary Cancer Syndrome; Neoplastic Syndromes, Hereditary. Identifiers: Orphanet 140162, MedGen C0027672, MeSH D009386, MONDO:0015356.
Tuberous sclerosis 2 (TSC2). Identifiers: Orphanet 805, MedGen C1860707, MONDO:0013199, OMIM 613254.
TSC2-related disorder. Also called: TSC2-Related Disorders; TSC2-related condition.
Tuberous sclerosis syndrome (TSC). Also called: Tuberous Sclerosis Complex; Tuberous sclerosis. Identifiers: Orphanet 805, MedGen C0041341, MONDO:0001734.

Allele frequency attached by ClinVar (database versions not stated): gnomAD exomes below 0.00001; ExAC 0.00001; gnomAD 0.00001; TOPMed 0.00001.
gnomAD v4.1: 4 of 1,612,472 alleles (0.00025%); highest among the groups gnomAD compares: African/African-American, 0.0027%; no homozygotes.

Submissions (5):

Myriad Genetics, Inc.
Classification: Benign for Tuberous sclerosis 2. Last evaluated: 2025-06-04. Review status: criteria provided, single submitter. Criteria: Myriad Autosomal Dominant, Autosomal Recessive and X-Linked Classification Criteria (2023). Collection method: clinical testing. Allele origin: unknown.
Comment: This variant is considered benign. This variant is a silent/synonymous amino acid change and it is not expected to impact splicing.

Labcorp Genetics (formerly Invitae), Labcorp
Classification: Likely benign for Tuberous sclerosis 2. Last evaluated: 2024-07-30. Review status: criteria provided, single submitter. Criteria: Invitae Variant Classification Sherloc (09022015). Collection method: clinical testing. Allele origin: germline.

All of Us Research Program, National Institutes of Health
Classification: Likely benign for Tuberous sclerosis syndrome. Last evaluated: 2023-10-23. Review status: criteria provided, single submitter. Criteria: ACMG Guidelines, 2015. Collection method: clinical testing. Allele origin: germline. Inheritance: Autosomal dominant inheritance. Observed: 1 variant allele, 1 heterozygote.
Comment: This study involves interpretation of variants in research participants for the purpose of population health screening. Participant phenotype was not available at the time of variant classification. Additional details can be found in publication PMID: 35346344, PMCID: PMC8962531

Ambry Genetics
Classification: Likely benign for Hereditary cancer-predisposing syndrome. Last evaluated: 2021-09-03. Review status: criteria provided, single submitter. Criteria: Ambry Variant Classification Scheme 2023. Collection method: clinical testing. Allele origin: germline.

PreventionGenetics, part of Exact Sciences
Classification: Likely benign for TSC2-related condition. Last evaluated: 2021-11-08. Review status: no assertion criteria provided. Collection method: clinical testing. Allele origin: germline. Not counted in ClinVar's aggregate classification.
Comment: This variant is classified as likely benign based on ACMG/AMP sequence variant interpretation guidelines (Richards et al. 2015 PMID: 25741868, with internal and published modifications).